The following is an entry in ClinVar:

ClinVar aggregate classification (germline): Uncertain significance (1 of 4 stars; one submission).

Conditions:
DNA2-related disorder. Also called: DNA2-related condition.

Submission:

3billion
Classification: Uncertain significance for DNA2-related disorder. Last evaluated: 2024-10-22. Review status: criteria provided, single submitter. Criteria: ACMG Guidelines, 2015. Collection method: clinical testing. Allele origin: germline. Affected: yes.
Comment: The variant is not observed in the gnomAD v4.1.0 dataset. Predicted Consequence/Location: Missense variant In silico tools predict the variant to alter splicing and produce an abnormal transcript [SpliceAI: 0.93 (>=0.2, moderate evidence for spliceogenicity)]. Different missense changes at the same codon have been reported as of uncertain significance (ClinVar ID: VCV001311959). Therefore, this variant is classified as VUS according to the recommendation of ACMG/AMP guideline.

NM_001080449.3(DNA2):c.1754C>G (p.Thr585Arg)

Gene: DNA2 (DNA replication helicase/nuclease 2; minus strand). Cytogenetic location: 10q21.3.
Variant type: single nucleotide variant.
Coding change: c.1754C>G on transcript NM_001080449.3 (MANE Select); coding-DNA position 1754, C replaced by G.
Protein change: p.Thr585Arg; replaces threonine 585 with arginine.
Molecular consequence: missense variant. On other transcripts: non-coding transcript variant (1).
Genome position (GRCh38, 1-based): chr10:68,432,403, G>C on the plus strand (C>G on the coding strand, the complement: DNA2 is on the minus strand). VCF-style: chr10-68432403-G-C. GRCh37 (hg19) VCF-style: chr10-70192160-G-C.
Other names: short protein forms T585R.
Identifiers: ClinVar variation 4292222 (VCV004292222.1).
Genomic context (GRCh38, chr10:68,432,403, plus strand): 5'-ATATTCCTTAGAAAAGTGGAGTGAAATTCAAATTTGCTCATTGTTACAAACCTGACAAAC[G>C]TGTTTTCCATCAATTTGGAAAGATTTCCTAATGGGGTATCTATATCACAATTTTTTTCTT-3'
Protein context (NP_001073918.2, residues 575-595): LGNLSKLMEN[Thr585Arg]FVSKKLRDLI